The following is an entry in ClinVar:

NM_001414.4(EIF2B1):c.*179A>C

Genes: EIF2B1 (eukaryotic translation initiation factor 2B subunit alpha; minus strand), LOC126861664 (CDK7 strongly-dependent group 2 enhancer GRCh37_chr12:124105924-124107123; plus strand). Cytogenetic location: 12q24.31.
Variant type: single nucleotide variant.
Coding change: c.*179A>C on transcript NM_001414.4 (MANE Select); 179 bases downstream of the stop codon, A replaced by C.
Molecular consequence: 3 prime UTR variant.
Genome position (GRCh38, 1-based): chr12:123,621,577, T>G on the plus strand (A>C on the coding strand, the complement: EIF2B1 is on the minus strand). VCF-style: chr12-123621577-T-G. GRCh37 (hg19) VCF-style: chr12-124106124-T-G.
Identifiers: ClinVar variation 882750 (VCV000882750.5), dbSNP rs149472233, ClinGen allele CA245154940.

ClinVar aggregate classification (germline): Benign. Review status: criteria provided, multiple submitters, no conflicts (2 of 4 stars). 2 submissions from 2 submitters: Benign (2). Last evaluated 2018-01-13.

Conditions:
Vanishing white matter disease. Also called: Childhood ataxia with diffuse central nervous system hypomyelination; Leukoencephalopathy with vanishing white matter; CACH/VWM syndrome; Cree leukoencehalopathy; CACH syndrome. Identifiers: Orphanet 135, Orphanet 99853, MedGen C1858991, MONDO:0800448.

Allele frequency attached by ClinVar (database versions not stated): gnomAD 0.00039 and 0.00056; gnomAD exomes 0.00065; TOPMed 0.00074; 1000 Genomes Project 0.00439; 1000 Genomes Project 30x 0.00453.
gnomAD v4.1: 474 of 745,030 alleles (0.064%); highest among the groups gnomAD compares: East Asian, 1.1%; 4 homozygotes.

Submissions (2):

Illumina Laboratory Services, Illumina
Classification: Benign for Leukoencephalopathy with vanishing white matter 1. Last evaluated: 2018-01-13. Review status: criteria provided, single submitter. Criteria: ICSL Variant Classification Criteria 13 December 2019. Collection method: clinical testing. Allele origin: germline.
Comment: This variant was observed in the ICSL laboratory as part of a predisposition screen in an ostensibly healthy population. It had not been previously curated by ICSL or reported in the Human Gene Mutation Database (HGMD: prior to June 1st, 2018), and was therefore a candidate for classification through an automated scoring system. Utilizing variant allele frequency, disease prevalence and penetrance estimates, and inheritance mode, an automated score was calculated to assess if this variant is too frequent to cause the disease. Based on the score and internal cut-off values, a variant classified as benign is not then subjected to further curation. The score for this variant resulted in a classification of benign for this disease.

Breakthrough Genomics
Classification: Benign. Review status: criteria provided, single submitter. Criteria: ACMG Guidelines, 2015. Collection method: not provided. Allele origin: germline. Inheritance: Autosomal recessive inheritance. Affected: yes.